The following is an entry in ClinVar:

NM_000203.5(IDUA):c.965T>A (p.Val322Glu)

Gene: IDUA (alpha-L-iduronidase; plus strand). Cytogenetic location: 4p16.3.
Variant type: single nucleotide variant.
Coding change: c.965T>A on transcript NM_000203.5 (MANE Select); coding-DNA position 965, T replaced by A.
Protein change: p.Val322Glu; replaces valine 322 with glutamic acid.
Molecular consequence: missense variant. On other transcripts: non-coding transcript variant (1).
Genome position (GRCh38, 1-based): chr4:1,002,154, T>A. VCF-style: chr4-1002154-T-A. GRCh37 (hg19) VCF-style: chr4-995942-T-A.
Other names: NC_000004.11:g.995942T>A; c.569T>A, p.Val190Glu (NM_001363576.1); short protein forms V322E, V190E.
Identifiers: ClinVar variation 222992 (VCV000222992.14), dbSNP rs76722191, ClinGen allele CA356992.

ClinVar aggregate classification (germline): Benign/Likely benign; other. Review status: criteria provided, multiple submitters, no conflicts (2 of 4 stars). 6 submissions from 6 submitters: Benign (1); Likely benign (2). 2 of the submissions do not count toward it. Last evaluated 2021-11-19.

Conditions:
Inborn genetic diseases. Identifiers: MedGen C0950123, MeSH D030342.
Mucopolysaccharidosis type 1. Also called: IDUA deficiency; MPS I; Mucopolysaccharidosis Type I. Identifiers: Orphanet 579, MedGen C0023786, MONDO:0001586.
Hurler syndrome. Also called: MUCOPOLYSACCHARIDOSIS TYPE IH; Severe MPS I (Hurler Syndrome); Gargoylism, Hurler Syndrome. Identifiers: Orphanet 93473, MedGen C0086795, MONDO:0011758, OMIM 607014.

Allele frequency attached by ClinVar (database versions not stated): ExAC 0.00090; gnomAD 0.00271 and 0.00251; gnomAD exomes 0.00027 and 0.00063; 1000 Genomes Project 0.00180; 1000 Genomes Project 30x 0.00219; ESP Exome Variant Server 0.00223; TOPMed 0.00251.
gnomAD v4.1: 788 of 1,556,798 alleles (0.051%); highest among the groups gnomAD compares: African/African-American, 0.88%; 2 homozygotes.

Submissions (7):

Ambry Genetics
Classification: Likely benign for Inborn genetic diseases. Last evaluated: 2021-11-19. Review status: criteria provided, single submitter. Criteria: Ambry Variant Classification Scheme 2023. Collection method: clinical testing. Allele origin: germline.

Labcorp Genetics (formerly Invitae), Labcorp
Classification: other for Mucopolysaccharidosis type I. Last evaluated: 2018-08-11. Review status: criteria provided, single submitter. Criteria: Invitae Variant Classification Sherloc (09022015). Collection method: clinical testing. Allele origin: germline.

Illumina Laboratory Services, Illumina
Classification: Benign for Mucopolysaccharidosis type 1. Last evaluated: 2017-04-28. Review status: criteria provided, single submitter. Criteria: ICSL Variant Classification Criteria 13 December 2019. Collection method: clinical testing. Allele origin: germline.
Comment: This variant was observed as part of a predisposition screen in an ostensibly healthy population. A literature search was performed for the gene, cDNA change, and amino acid change (where applicable). No publications were found based on this search. Allele frequency data from public databases was too high to be consistent with this variant causing disease. Therefore, this variant is classified as benign.

Breakthrough Genomics
Classification: Likely benign. Review status: criteria provided, single submitter. Criteria: ACMG Guidelines, 2015. Collection method: not provided. Allele origin: germline. Inheritance: Autosomal recessive inheritance. Affected: yes.

Counsyl
Classification: Likely benign for Hurler syndrome. Last evaluated: 2018-05-22. Review status: no assertion criteria provided. Collection method: clinical testing. Allele origin: unknown. Not counted in ClinVar's aggregate classification.

Dr. Peter K. Rogan Lab, Western University
No classification provided (evidence only). Condition: Uterine corpus endometrial carcinoma. Review status: no classification provided. Collection method: in vitro. Allele origin: not applicable. Functional consequence: retained intron. Not counted in ClinVar's aggregate classification.

GeneReviews
No classification provided. Condition: Mucopolysaccharidosis type 1. Review status: no classification provided. Collection method: literature only. Allele origin: germline. Not counted in ClinVar's aggregate classification.
Comment: Pseudodeficiency variants

Literature cited by the submitters: PubMed 28302345 (cited by Counsyl); PubMed 27939258 (cited by Counsyl); NCBI Bookshelf NBK1162 (cited by GeneReviews).